The following is an entry in ClinVar:

NM_004281.4(BAG3):c.854C>T (p.Thr285Met)

Gene: BAG3 (BAG cochaperone 3; plus strand). Cytogenetic location: 10q26.11.
Variant type: single nucleotide variant.
Coding change: c.854C>T on transcript NM_004281.4 (MANE Select); coding-DNA position 854, C replaced by T.
Protein change: p.Thr285Met; replaces threonine 285 with methionine.
Molecular consequence: missense variant.
Genome position (GRCh38, 1-based): chr10:119,672,601, C>T. VCF-style: chr10-119672601-C-T. GRCh37 (hg19) VCF-style: chr10-121432113-C-T.
Other names: short protein forms T285M.
Identifiers: ClinVar variation 969204 (VCV000969204.17), dbSNP rs375650805, ClinGen allele CA5716424.

ClinVar aggregate classification (germline): Conflicting classifications of pathogenicity. Review status: criteria provided, conflicting classifications (1 of 4 stars). 5 submissions from 5 submitters: Uncertain significance (4); Likely benign (1). Last evaluated 2026-01-05.

Conditions:
BAG3-related disorder. Also called: BAG3-related condition.
Cardiovascular phenotype. Identifiers: MedGen CN230736.
Dilated cardiomyopathy 1HH (CMD1HH). Identifiers: Orphanet 154, MedGen C3151293, MONDO:0013479, OMIM 613881.
Myofibrillar myopathy 6. Identifiers: Orphanet 199340, MedGen C2751831, MONDO:0013061, OMIM 612954.

Allele frequency attached by ClinVar (database versions not stated): TOPMed 0.00001; gnomAD 0.00003; gnomAD exomes 0.00004; ExAC 0.00005; ESP Exome Variant Server 0.00008; 1000 Genomes Project 30x 0.00016; 1000 Genomes Project 0.00020.
gnomAD v4.1: 66 of 1,614,122 alleles (0.0041%); highest among the groups gnomAD compares: East Asian, 0.011%; no homozygotes.

Submissions (5):

Labcorp Genetics (formerly Invitae), Labcorp
Classification: Uncertain significance for Dilated cardiomyopathy 1HH; Myofibrillar myopathy 6. Last evaluated: 2026-01-05. Review status: criteria provided, single submitter. Criteria: Invitae Variant Classification Sherloc (09022015). Collection method: clinical testing. Allele origin: germline.
Comment: This sequence change replaces threonine, which is neutral and polar, with methionine, which is neutral and non-polar, at codon 285 of the BAG3 protein (p.Thr285Met). This variant is present in population databases (rs375650805, gnomAD 0.01%). This variant has not been reported in the literature in individuals affected with BAG3-related conditions. ClinVar contains an entry for this variant (Variation ID: 969204). Invitae Evidence Modeling of protein sequence and biophysical properties (such as structural, functional, and spatial information, amino acid conservation, physicochemical variation, residue mobility, and thermodynamic stability) indicates that this missense variant is not expected to disrupt BAG3 protein function with a negative predictive value of 80%. In summary, the available evidence is currently insufficient to determine the role of this variant in disease. Therefore, it has been classified as a Variant of Uncertain Significance.

PreventionGenetics, part of Exact Sciences
Classification: Likely benign for BAG3-related condition. Last evaluated: 2025-09-29. Review status: criteria provided, single submitter. Criteria: ACMG Guidelines, 2015. Collection method: clinical testing. Allele origin: germline.
Comment: This variant is classified as likely benign based on ACMG/AMP sequence variant interpretation guidelines (Richards et al. 2015 PMID: 25741868, with internal and published modifications).

Ambry Genetics
Classification: Uncertain significance for Cardiovascular phenotype. Last evaluated: 2025-09-15. Review status: criteria provided, single submitter. Criteria: Ambry Variant Classification Scheme 2023. Collection method: clinical testing. Allele origin: germline.
Comment: The p.T285M variant (also known as c.854C>T), located in coding exon 3 of the BAG3 gene, results from a C to T substitution at nucleotide position 854. The threonine at codon 285 is replaced by methionine, an amino acid with similar properties. This amino acid position is not well conserved in available vertebrate species. In addition, this alteration is predicted to be tolerated by in silico analysis. Based on the available evidence, the clinical significance of this variant remains unclear.

ARUP Laboratories, Molecular Genetics and Genomics, ARUP Laboratories
Classification: Uncertain significance. Last evaluated: 2025-01-26. Review status: criteria provided, single submitter. Criteria: ARUP Molecular Germline Variant Investigation Process 2024. Collection method: clinical testing. Allele origin: germline.
Comment: The BAG3 c.854C>T; p.Thr285Met variant (rs375650805), to our knowledge, is not reported in the medical literature but is reported in ClinVar (Variation ID: 969204). This variant is found in the general population with an overall allele frequency of 0.004% (11/282260 alleles) in the Genome Aggregation Database (v2.1.1). Computational analyses are uncertain whether this variant is neutral or deleterious (REVEL: 0.168). Due to limited information, the clinical significance of this variant is uncertain at this time.

Revvity Omics, Revvity
Classification: Uncertain significance. Last evaluated: 2020-12-16. Review status: criteria provided, single submitter. Criteria: ACMG Guidelines, 2015. Collection method: clinical testing. Allele origin: germline.